The following is an entry in ClinVar:

ClinVar aggregate classification (germline): Uncertain significance. Review status: criteria provided, multiple submitters, no conflicts (2 of 4 stars). 2 submissions from 2 submitters: Uncertain significance (2). Last evaluated 2024-04-28.

Conditions:
Cardiovascular phenotype. Identifiers: MedGen CN230736.

gnomAD v4.1: 3 of 1,614,228 alleles (0.00019%); highest among the groups gnomAD compares: Non-Finnish European, 0.00025%; no homozygotes.

Submissions (2):

Women's Health and Genetics/Laboratory Corporation of America, LabCorp
Classification: Uncertain significance. Last evaluated: 2024-04-28. Review status: criteria provided, single submitter. Criteria: LabCorp Variant Classification Summary - May 2015. Collection method: clinical testing. Allele origin: germline.

Ambry Genetics
Classification: Uncertain significance for Cardiovascular phenotype. Last evaluated: 2024-04-25. Review status: criteria provided, single submitter. Criteria: Ambry Variant Classification Scheme 2023. Collection method: clinical testing. Allele origin: germline.
Comment: The p.K1212T variant (also known as c.3635A>C), located in coding exon 20 of the SCN10A gene, results from an A to C substitution at nucleotide position 3635. The lysine at codon 1212 is replaced by threonine, an amino acid with similar properties. This amino acid position is conserved. In addition, the in silico prediction for this alteration is inconclusive. Based on the available evidence, the clinical significance of this variant remains unclear.

NM_006514.4(SCN10A):c.3635A>C (p.Lys1212Thr)

Gene: SCN10A (sodium voltage-gated channel alpha subunit 10; minus strand). Cytogenetic location: 3p22.2.
Variant type: single nucleotide variant.
Coding change: c.3635A>C on transcript NM_006514.4 (MANE Select); coding-DNA position 3635, A replaced by C.
Protein change: p.Lys1212Thr; replaces lysine 1212 with threonine.
Molecular consequence: missense variant.
Genome position (GRCh38, 1-based): chr3:38,718,699, T>G on the plus strand (A>C on the coding strand, the complement: SCN10A is on the minus strand). VCF-style: chr3-38718699-T-G. GRCh37 (hg19) VCF-style: chr3-38760190-T-G.
Other names: c.3632A>C, p.Lys1211Thr (NM_001293306.2); c.3341A>C, p.Lys1114Thr (NM_001293307.2); c.3635A>C (NM_006514.2); short protein forms K1114T, K1211T, K1212T.
Identifiers: ClinVar variation 3251638 (VCV003251638.2), dbSNP rs2470633388.
Genomic context (GRCh38, chr3:38,718,699, plus strand): 5'-ACTGAGCCACTCACATTCACAATGAGGAAGTCCAGCCAGCACCAGGCATTGGTGAAGTAC[T>G]TTTTGAAGCCATAGGCCACCCACTTAAGCAGCATCTCGAACACAAAGATAAAGGTGAAGA-3'
Protein context (NP_006505.4, residues 1202-1222): LLKWVAYGFK[Lys1212Thr]YFTNAWCWLD